The following is an entry in ClinVar:

NM_000458.4(HNF1B):c.1006C>G (p.His336Asp)

Gene: HNF1B (HNF1 homeobox B; minus strand). Cytogenetic location: 17q12.
Variant type: single nucleotide variant.
Coding change: c.1006C>G on transcript NM_000458.4 (MANE Select); coding-DNA position 1006, C replaced by G.
Protein change: p.His336Asp; replaces histidine 336 with aspartic acid.
Molecular consequence: missense variant.
Genome position (GRCh38, 1-based): chr17:37,731,634, G>C on the plus strand (C>G on the coding strand, the complement: HNF1B is on the minus strand). VCF-style: chr17-37731634-G-C. GRCh37 (hg19) VCF-style: chr17-36091625-G-C.
Other names: c.928C>G, p.His310Asp (NM_001165923.4, NM_001304286.2); short protein forms H336D, H310D.
Identifiers: ClinVar variation 595653 (VCV000595653.65), dbSNP rs138986885, ClinGen allele CA8518950.

ClinVar aggregate classification (germline): Conflicting classifications of pathogenicity. Review status: criteria provided, conflicting classifications (1 of 4 stars). 9 submissions from 9 submitters: Uncertain significance (4); Benign (1); Likely benign (3). 1 of the submissions does not count toward it. Last evaluated 2026-03-01.

Conditions:
Maturity-onset diabetes of the young (MODY). Also called: Maturity onset diabetes mellitus in young. Identifiers: Orphanet 552, MedGen C0342276, MONDO:0018911, HP:0004904.
Renal cysts and diabetes syndrome (RCAD). Also called: MATURITY-ONSET DIABETES OF THE YOUNG, TYPE 5; Familial hypoplastic, glomerulocystic kidney. Identifiers: Orphanet 93111, MedGen C0431693, MONDO:0007669, OMIM 137920.

Allele frequency attached by ClinVar (database versions not stated): 1000 Genomes Project 30x 0.00016; 1000 Genomes Project 0.00020; ESP Exome Variant Server 0.00023.
gnomAD v4.1: 299 of 1,613,732 alleles (0.019%); highest among the groups gnomAD compares: Non-Finnish European, 0.024%; 3 homozygotes.

Submissions (9):

CeGaT Center for Human Genetics Tuebingen
Classification: Likely benign. Last evaluated: 2026-03-01. Review status: criteria provided, single submitter. Criteria: CeGaT Center For Human Genetics Tuebingen Variant Classification Criteria Version 2. Collection method: clinical testing. Allele origin: germline. Affected: yes. Observed: 7 variant alleles.
Comment: HNF1B: PM5, BS1

Labcorp Genetics (formerly Invitae), Labcorp
Classification: Likely benign. Last evaluated: 2026-01-06. Review status: criteria provided, single submitter. Criteria: Invitae Variant Classification Sherloc (09022015). Collection method: clinical testing. Allele origin: germline.

Blueprint Genetics
Classification: Likely benign. Last evaluated: 2024-11-01. Review status: criteria provided, single submitter. Criteria: ACMG Guidelines, 2015. Collection method: clinical testing. Allele origin: germline.

Revvity Omics, Revvity
Classification: Uncertain significance. Last evaluated: 2023-03-31. Review status: criteria provided, single submitter. Criteria: ACMG Guidelines, 2015. Collection method: clinical testing. Allele origin: germline.

Institute of Human Genetics, FAU Erlangen, Friedrich-Alexander-Universität Erlangen-Nürnberg
Classification: Uncertain significance for Renal cysts and diabetes syndrome. Last evaluated: 2019-07-06. Review status: criteria provided, single submitter. Criteria: ACMG Guidelines, 2015. Collection method: literature only. Allele origin: germline. Affected: yes.
Comment: This variant and it's classification has been reported by Vasileiou et al. 2019; DOI:10.1101/576918. The variants has previously been reported in PMID:25700310; PMID:16971658; PMID:17337496; PMID:30259503; PMID:25536396 as "c.1006C>G" with clinical significance Pathogenic. It has been re-classified using InterVar and manual curation as Uncertain significance based on PM1 PP3 PP5 BP6.

Eurofins Ntd Llc (ga)
Classification: Uncertain significance. Last evaluated: 2018-01-02. Review status: criteria provided, single submitter. Criteria: EGL Classification Definitions 2015. Collection method: clinical testing. Allele origin: germline. Observed: 3 variant alleles, 3 heterozygotes.

Illumina Laboratory Services, Illumina
Classification: Benign for Renal cysts and diabetes syndrome. Last evaluated: 2017-04-28. Review status: criteria provided, single submitter. Criteria: ICSL Variant Classification Criteria 13 December 2019. Collection method: clinical testing. Allele origin: germline.
Comment: This variant was observed as part of a predisposition screen in an ostensibly healthy population. A literature search was performed for the gene, cDNA change, and amino acid change (where applicable). Publications were found based on this search. The evidence from the literature, in combination with allele frequency data from public databases where available, was sufficient to rule this variant out of causing disease. Therefore, this variant is classified as benign.

Ambry Genetics
Classification: Uncertain significance for Maturity-onset diabetes of the young. Last evaluated: 2017-01-09. Review status: criteria provided, single submitter. Criteria: Ambry Variant Classification Scheme 2023. Collection method: clinical testing. Allele origin: germline.
Comment: The p.H336D variant (also known as c.1006C>G), located in coding exon 4 of the HNF1B gene, results from a C to G substitution at nucleotide position 1006. The histidine at codon 336 is replaced by aspartic acid, an amino acid with similar properties. This alteration was first described in two unrelated patients with renal hypodysplasia (RHD) associated with chronic renal insufficiency; the father and brother of one were each heterozygous for the alteration but had normal renal evaluations, including ultrasound and biochemical measurements (Weber S et al. J. Am. Soc. Nephrol., 2006 Oct;17:2864-70). In a MODY family, which included a proband with renal and urogenital anomalies, this alteration was identified in three of four individual's with a history of diabetes; however, an HNF1A alteration at a canonical splice site was present in all four diabetic family members (Karges B et al. Diabetes Care, 2007 Jun;30:1613-4). This alteration has been reported in an additional four individuals with congenital anomalies of the kidney and urinary tract (CAKUT); however, given the presence of this alteration in population databases, the authors were not convinced that p.H336D was causative (Hwang DY et al. Kidney Int., 2014 Jun;85:1429-33; Nicolaou N et al. Kidney Int., 2016 Feb;89:476-86). Since supporting evidence is limited at this time, the clinical significance of this alteration remains unclear.

Gharavi Laboratory, Columbia University
Classification: Likely benign. Last evaluated: 2018-09-16. Review status: no assertion criteria provided. Criteria: ACMG Guidelines, 2015. Collection method: research. Allele origin: germline. Affected: no. Not counted in ClinVar's aggregate classification.

Literature cited by the submitters: PubMed 25700310 (cited by Institute of Human Genetics, FAU Erlangen, Friedrich-Alexander-Universität Erlangen-Nürnberg); PubMed 16971658 (cited by 3 submitters); PubMed 17337496 (cited by 3 submitters); PubMed 30259503 (cited by Institute of Human Genetics, FAU Erlangen, Friedrich-Alexander-Universität Erlangen-Nürnberg and Ambry Genetics); PubMed 25536396 (cited by Institute of Human Genetics, FAU Erlangen, Friedrich-Alexander-Universität Erlangen-Nürnberg); DOI 10.1101/576918 (cited by Institute of Human Genetics, FAU Erlangen, Friedrich-Alexander-Universität Erlangen-Nürnberg); PubMed 26489027 (cited by Illumina Laboratory Services, Illumina and Ambry Genetics); PubMed 21163139 (cited by Illumina Laboratory Services, Illumina); PubMed 24429398 (cited by Illumina Laboratory Services, Illumina and Ambry Genetics); PubMed 30663027 (cited by Ambry Genetics); PubMed 31365591 (cited by Ambry Genetics).